The following is an entry in ClinVar:

NM_018082.6(POLR3B):c.361C>T (p.Arg121Ter)

Gene: POLR3B (RNA polymerase III subunit B; plus strand). Cytogenetic location: 12q23.3.
Variant type: single nucleotide variant.
Coding change: c.361C>T on transcript NM_018082.6 (MANE Select); coding-DNA position 361, C replaced by T.
Protein change: p.Arg121Ter; replaces arginine 121 with a stop codon.
Molecular consequence: nonsense.
Genome position (GRCh38, 1-based): chr12:106,369,640, C>T. VCF-style: chr12-106369640-C-T. GRCh37 (hg19) VCF-style: chr12-106763418-C-T.
Other names: c.187C>T, p.Arg63Ter (NM_001160708.2); short protein forms R121*, R63*.
Identifiers: ClinVar variation 4739274 (VCV004739274.3).
Genomic context (GRCh38, chr12:106,369,640, plus strand): 5'-CAGTGCCGTTTGAGAGACATGACATACTCTGCCCCTATTACAGTGGATATTGAATATACC[C>T]GAGGCAGCCAGAGGATCATCCGCAATGCCTTACCTATCGGCAGGTGAGAAATGAAATCCG-3'

ClinVar aggregate classification (germline): Pathogenic/Likely pathogenic. Review status: criteria provided, multiple submitters, no conflicts (2 of 4 stars). 2 submissions from 2 submitters: Pathogenic (1); Likely pathogenic (1). Last evaluated 2025-04-08.

gnomAD v4.1: 15 of 1,613,348 alleles (0.00093%); highest among the groups gnomAD compares: South Asian, 0.0033%; no homozygotes.

Submissions (2):

Labcorp Genetics (formerly Invitae), Labcorp
Classification: Pathogenic. Last evaluated: 2025-04-08. Review status: criteria provided, single submitter. Criteria: Invitae Variant Classification Sherloc (09022015). Collection method: clinical testing. Allele origin: germline.
Comment: This sequence change creates a premature translational stop signal (p.Arg121*) in the POLR3B gene. It is expected to result in an absent or disrupted protein product. Loss-of-function variants in POLR3B are known to be pathogenic (PMID: 25339210). This variant is present in population databases (rs751146923, gnomAD 0.003%). This variant has not been reported in the literature in individuals affected with POLR3B-related conditions. For these reasons, this variant has been classified as Pathogenic.

Dasa
Classification: Likely pathogenic. Last evaluated: 2024-12-05. Review status: criteria provided, single submitter. Criteria: DASA Assertion Criteria. Collection method: clinical testing. Allele origin: germline.
Comment: NM_018082.6(POLR3B):c.361C>T (p.Arg121*) is a nonsense variant in POLR3B predicted to introduce a premature termination codon and is predicted to result in an absent or altered protein product. Loss of function is an established disease mechanism for POLR3B-associated disorders. Also, this variant is rare in population databases. Based on the currently available evidence, this variant is classified as likely pathogenic.

Literature cited by the submitters: PubMed 25339210 (cited by Labcorp Genetics (formerly Invitae), Labcorp).